The following is an entry in ClinVar:

ClinVar aggregate classification (germline): Uncertain significance. Review status: criteria provided, multiple submitters, no conflicts (2 of 4 stars). 2 submissions from 2 submitters: Uncertain significance (2). Last evaluated 2025-02-15.

Conditions:
Inborn genetic diseases. Identifiers: MedGen C0950123, MeSH D030342.

Allele frequency attached by ClinVar (database versions not stated): gnomAD exomes 0.00001; ExAC 0.00002.
gnomAD v4.1: 9 of 1,604,910 alleles (0.00056%); highest among the groups gnomAD compares: South Asian, 0.0078%; no homozygotes.

Submissions (2):

Labcorp Genetics (formerly Invitae), Labcorp
Classification: Uncertain significance. Last evaluated: 2025-02-15. Review status: criteria provided, single submitter. Criteria: Invitae Variant Classification Sherloc (09022015). Collection method: clinical testing. Allele origin: germline.
Comment: This sequence change replaces lysine, which is basic and polar, with glutamic acid, which is acidic and polar, at codon 1095 of the NLRP1 protein (p.Lys1095Glu). This variant is present in population databases (rs762611914, gnomAD 0.01%). This variant has not been reported in the literature in individuals affected with NLRP1-related conditions. ClinVar contains an entry for this variant (Variation ID: 2878003). An algorithm developed to predict the effect of missense changes on protein structure and function (PolyPhen-2) suggests that this variant is likely to be tolerated. In summary, the available evidence is currently insufficient to determine the role of this variant in disease. Therefore, it has been classified as a Variant of Uncertain Significance.

Ambry Genetics
Classification: Uncertain significance for Inborn genetic diseases. Last evaluated: 2024-10-24. Review status: criteria provided, single submitter. Criteria: Ambry Variant Classification Scheme 2023. Collection method: clinical testing. Allele origin: germline.

NM_033004.4(NLRP1):c.3283A>G (p.Lys1095Glu)

Gene: NLRP1 (NLR family pyrin domain containing 1; minus strand). Cytogenetic location: 17p13.2.
Variant type: single nucleotide variant.
Coding change: c.3283A>G on transcript NM_033004.4 (MANE Select); coding-DNA position 3283, A replaced by G.
Protein change: p.Lys1095Glu; replaces lysine 1095 with glutamic acid.
Molecular consequence: missense variant.
Genome position (GRCh38, 1-based): chr17:5,532,835, T>C on the plus strand (A>G on the coding strand, the complement: NLRP1 is on the minus strand). VCF-style: chr17-5532835-T-C. GRCh37 (hg19) VCF-style: chr17-5436155-T-C.
Other names: c.3283A>G (NM_033004.3); c.3295A>G, p.Lys1099Glu (NM_001033053.3); c.3283A>G, p.Lys1095Glu (NM_014922.5); c.3193A>G, p.Lys1065Glu (NM_033006.4, NM_033007.4); short protein forms K1095E, K1099E, K1065E.
Identifiers: ClinVar variation 2878003 (VCV002878003.4), dbSNP rs762611914, ClinGen allele CA8326884.
Genomic context (GRCh38, chr17:5,532,835, plus strand): 5'-TGGGGTGCGGGAGGCCAGCCTGGGACCAGCAGAGCCCCCTCACTCACCGGTACAAGTTCT[T>C]TTCTTTGTCAACTACCTCAGTAGCCACAGGCCCCGTGGGGCCCCAGAAGTCATCGTCAGT-3'
Protein context (NP_127497.1, residues 1085-1105): PVATEVVDKE[Lys1095Glu]NLYRVHFPVA